The following is an entry in ClinVar:

ClinVar aggregate classification (germline): Likely benign. Review status: criteria provided, multiple submitters, no conflicts (2 of 4 stars). 3 submissions from 3 submitters: Likely benign (2). 1 of the submissions does not count toward it. Last evaluated 2025-08-30.

Conditions:
NYX-related disorder. Also called: NYX-related condition.
Retinal dystrophy. Also called: Inherited retinal dystrophy. Identifiers: Orphanet 71862, MedGen C0854723, MeSH D058499, MONDO:0019118, HP:0000556.

gnomAD v4.1: 2 of 1,199,707 alleles (0.00017%); highest among the groups gnomAD compares: Admixed American, 0.0022%; no homozygotes.

Submissions (3):

Labcorp Genetics (formerly Invitae), Labcorp
Classification: Likely benign. Last evaluated: 2025-08-30. Review status: criteria provided, single submitter. Criteria: Invitae Variant Classification Sherloc (09022015). Collection method: clinical testing. Allele origin: germline.

PreventionGenetics, part of Exact Sciences
Classification: Likely benign for NYX-related condition. Last evaluated: 2025-03-31. Review status: criteria provided, single submitter. Criteria: ACMG Guidelines, 2015. Collection method: clinical testing. Allele origin: germline.
Comment: This variant is classified as likely benign based on ACMG/AMP sequence variant interpretation guidelines (Richards et al. 2015 PMID: 25741868, with internal and published modifications).

Institute of Human Genetics, Univ. Regensburg, Univ. Regensburg
Classification: Uncertain significance for Retinal dystrophy. Last evaluated: 2020-01-01. Review status: no assertion criteria provided. Criteria: ACMG Guidelines, 2015. Collection method: clinical testing. Allele origin: germline. Affected: yes. Not counted in ClinVar's aggregate classification.

NM_001378477.3(NYX):c.1080G>A (p.Pro360=)

Gene: NYX (nyctalopin; plus strand). Cytogenetic location: Xp11.4.
Variant type: single nucleotide variant.
Coding change: c.1080G>A on transcript NM_001378477.3 (MANE Select); coding-DNA position 1080, G replaced by A.
Protein change: p.Pro360=; no amino-acid change (proline 360 retained).
Molecular consequence: synonymous variant.
Genome position (GRCh38, 1-based): chrX:41,474,548, G>A. VCF-style: chrX-41474548-G-A. GRCh37 (hg19) VCF-style: chrX-41333801-G-A.
Other names: c.1080G>A, p.Pro360= (NM_022567.3).
Identifiers: ClinVar variation 3248812 (VCV003248812.3).